The following is an entry in ClinVar:

NM_145059.3(FCSK):c.169G>A (p.Gly57Arg)

Gene: FCSK (fucose kinase; plus strand). Cytogenetic location: 16q22.1.
Variant type: single nucleotide variant.
Coding change: c.169G>A on transcript NM_145059.3 (MANE Select); coding-DNA position 169, G replaced by A.
Protein change: p.Gly57Arg; replaces glycine 57 with arginine.
Molecular consequence: missense variant.
Genome position (GRCh38, 1-based): chr16:70,463,709, G>A. VCF-style: chr16-70463709-G-A. GRCh37 (hg19) VCF-style: chr16-70497612-G-A.
Other names: short protein forms G57R.
Identifiers: ClinVar variation 3094276 (VCV003094276.4), dbSNP rs373425489, ClinGen allele CA8142754.

ClinVar aggregate classification (germline): Uncertain significance. Review status: criteria provided, multiple submitters, no conflicts (2 of 4 stars). 2 submissions from 2 submitters: Uncertain significance (2). Last evaluated 2026-05-28.

Conditions:
FCSK-related disorder. Also called: FCSK-related condition.

gnomAD v4.1: 14 of 1,612,666 alleles (0.00087%); highest among the groups gnomAD compares: African/African-American, 0.0067%; no homozygotes.

Submissions (2):

PreventionGenetics, part of Exact Sciences
Classification: Uncertain significance for FCSK-related condition. Last evaluated: 2026-05-28. Review status: criteria provided, single submitter. Criteria: ACMG Guidelines, 2015. Collection method: clinical testing. Allele origin: germline.
Comment: The FCSK c.169G>A variant is predicted to result in the amino acid substitution p.Gly57Arg. To our knowledge, this variant has not been reported in the literature. This variant is reported in 0.012% of alleles in individuals of African descent in gnomAD. At this time, the clinical significance of this variant is uncertain due to the absence of conclusive functional and genetic evidence.

Ambry Genetics
Classification: Uncertain significance. Last evaluated: 2025-08-22. Review status: criteria provided, single submitter. Criteria: Ambry Variant Classification Scheme 2023. Collection method: clinical testing. Allele origin: germline.